The following is an entry in ClinVar:

NM_000264.5(PTCH1):c.3964G>A (p.Ala1322Thr)

Gene: PTCH1 (patched 1; minus strand). Cytogenetic location: 9q22.32.
Variant type: single nucleotide variant.
Coding change: c.3964G>A on transcript NM_000264.5 (MANE Select); coding-DNA position 3964, G replaced by A.
Protein change: p.Ala1322Thr; replaces alanine 1322 with threonine.
Molecular consequence: missense variant. On other transcripts: non-coding transcript variant (1).
Genome position (GRCh38, 1-based): chr9:95,447,292, C>T on the plus strand (G>A on the coding strand, the complement: PTCH1 is on the minus strand). VCF-style: chr9-95447292-C-T. GRCh37 (hg19) VCF-style: chr9-98209574-C-T.
Other names: c.3766G>A, p.Ala1256Thr (NM_001083602.3); c.3961G>A, p.Ala1321Thr (NM_001083603.3); c.3511G>A, p.Ala1171Thr (NM_001083604.3, NM_001083605.3, NM_001083606.3 and 1 more transcripts); c.3808G>A, p.Ala1270Thr (NM_001354918.2); short protein forms A1321T, A1171T, A1256T, A1270T, A1322T.
Identifiers: ClinVar variation 1044851 (VCV001044851.14), dbSNP rs896779358, ClinGen allele CA196558288.

ClinVar aggregate classification (germline): Uncertain significance. Review status: criteria provided, multiple submitters, no conflicts (2 of 4 stars). 4 submissions from 4 submitters: Uncertain significance (4). Last evaluated 2025-06-24.

Conditions:
Hereditary cancer-predisposing syndrome. Also called: Hereditary neoplastic syndrome; Neoplastic Syndromes, Hereditary; Tumor predisposition; Hereditary Cancer Syndrome. Identifiers: Orphanet 140162, MedGen C0027672, MeSH D009386, MONDO:0015356.
Gorlin syndrome. Also called: Nevoid Basal Cell Carcinoma Syndrome; Basal cell nevus syndrome. Identifiers: Orphanet 377, MedGen C0004779, MONDO:0007187.
Holoprosencephaly 7 (HPE7). Identifiers: Orphanet 2162, MedGen C1835820, MONDO:0012562, OMIM 610828.
Basal cell carcinoma, susceptibility to, 1. Also called: BCC1. Identifiers: MedGen C2751544, MONDO:0011556, OMIM 605462.

Allele frequency attached by ClinVar (database versions not stated): gnomAD exomes below 0.00001; TOPMed below 0.00001.
gnomAD v4.1: 4 of 1,613,058 alleles (0.00025%); highest among the groups gnomAD compares: Admixed American, 0.0017%; no homozygotes.

Submissions (4):

Labcorp Genetics (formerly Invitae), Labcorp
Classification: Uncertain significance for Gorlin syndrome. Last evaluated: 2025-06-24. Review status: criteria provided, single submitter. Criteria: Invitae Variant Classification Sherloc (09022015). Collection method: clinical testing. Allele origin: germline.
Comment: This sequence change replaces alanine, which is neutral and non-polar, with threonine, which is neutral and polar, at codon 1322 of the PTCH1 protein (p.Ala1322Thr). This variant is not present in population databases (gnomAD no frequency). This variant has not been reported in the literature in individuals affected with PTCH1-related conditions. ClinVar contains an entry for this variant (Variation ID: 1044851). Invitae Evidence Modeling of protein sequence and biophysical properties (such as structural, functional, and spatial information, amino acid conservation, physicochemical variation, residue mobility, and thermodynamic stability) indicates that this missense variant is not expected to disrupt PTCH1 protein function with a negative predictive value of 95%. In summary, the available evidence is currently insufficient to determine the role of this variant in disease. Therefore, it has been classified as a Variant of Uncertain Significance.

Ambry Genetics
Classification: Uncertain significance for Hereditary cancer-predisposing syndrome. Last evaluated: 2024-09-23. Review status: criteria provided, single submitter. Criteria: Ambry Variant Classification Scheme 2023. Collection method: clinical testing. Allele origin: germline.
Comment: The p.A1322T variant (also known as c.3964G>A), located in coding exon 23 of the PTCH1 gene, results from a G to A substitution at nucleotide position 3964. The alanine at codon 1322 is replaced by threonine, an amino acid with similar properties. This amino acid position is highly conserved in available vertebrate species. In addition, this alteration is predicted to be deleterious by in silico analysis. Since supporting evidence is limited at this time, the clinical significance of this alteration remains unclear.

GeneDx
Classification: Uncertain significance. Last evaluated: 2024-02-07. Review status: criteria provided, single submitter. Criteria: GeneDx Variant Classification Process June 2021. Collection method: clinical testing. Allele origin: germline. Affected: yes.
Comment: Not observed at significant frequency in large population cohorts (gnomAD); In silico analysis supports that this missense variant does not alter protein structure/function; Identified in an APC-negative individual with familial adenomatous polyposis (PMID: 31269945); This variant is associated with the following publications: (PMID: 31269945)

Fulgent Genetics
Classification: Uncertain significance for Basal cell nevus syndrome 1; Basal cell carcinoma, susceptibility to, 1; Holoprosencephaly 7. Last evaluated: 2021-11-10. Review status: criteria provided, single submitter. Criteria: ACMG Guidelines, 2015. Collection method: clinical testing. Allele origin: unknown.